The following is an entry in ClinVar:

NM_001853.4(COL9A3):c.866G>A (p.Gly289Glu)

Gene: COL9A3 (collagen type IX alpha 3 chain; plus strand). Cytogenetic location: 20q13.33.
Variant type: single nucleotide variant.
Coding change: c.866G>A on transcript NM_001853.4 (MANE Select); coding-DNA position 866, G replaced by A.
Protein change: p.Gly289Glu; replaces glycine 289 with glutamic acid.
Molecular consequence: missense variant.
Genome position (GRCh38, 1-based): chr20:62,827,942, G>A. VCF-style: chr20-62827942-G-A. GRCh37 (hg19) VCF-style: chr20-61459294-G-A.
Other names: short protein forms G289E.
Identifiers: ClinVar variation 3637716 (VCV003637716.2).
Genomic context (GRCh38, chr20:62,827,942, plus strand): 5'-GAAGAGACTGCCACTGCTTCTGTCACTTGTGTGTCCTCTAGGGCAGACCTGGTCCCAAGG[G>A]AACCCCCGGAGTGGCCGGGCCAAGCGGAGAGCCGGTGAGTGCACGTGGCTGCTCATGGAA-3'
Protein context (NP_001844.3, residues 279-299): KGDLGRPGPK[Gly289Glu]TPGVAGPSGE

ClinVar aggregate classification (germline): Uncertain significance (1 of 4 stars; one submission).

Submission:

Labcorp Genetics (formerly Invitae), Labcorp
Classification: Uncertain significance. Last evaluated: 2024-06-06. Review status: criteria provided, single submitter. Criteria: Invitae Variant Classification Sherloc (09022015). Collection method: clinical testing. Allele origin: germline.
Comment: This sequence change replaces glycine, which is neutral and non-polar, with glutamic acid, which is acidic and polar, at codon 289 of the COL9A3 protein (p.Gly289Glu). This variant is not present in population databases (gnomAD no frequency). This variant has not been reported in the literature in individuals affected with COL9A3-related conditions. Advanced modeling of protein sequence and biophysical properties (such as structural, functional, and spatial information, amino acid conservation, physicochemical variation, residue mobility, and thermodynamic stability) performed at Invitae indicates that this missense variant is expected to disrupt COL9A3 protein function with a positive predictive value of 95%. In summary, the available evidence is currently insufficient to determine the role of this variant in disease. Therefore, it has been classified as a Variant of Uncertain Significance.